The following is an entry in ClinVar:

NM_001376.5(DYNC1H1):c.11806G>T (p.Val3936Leu)

Gene: DYNC1H1 (dynein cytoplasmic 1 heavy chain 1; plus strand). Cytogenetic location: 14q32.31.
Variant type: single nucleotide variant.
Coding change: c.11806G>T on transcript NM_001376.5 (MANE Select); coding-DNA position 11806, G replaced by T.
Protein change: p.Val3936Leu; replaces valine 3936 with leucine.
Molecular consequence: missense variant.
Genome position (GRCh38, 1-based): chr14:102,040,351, G>T. VCF-style: chr14-102040351-G-T. GRCh37 (hg19) VCF-style: chr14-102506688-G-T.
Other names: short protein forms V3936L.
Identifiers: ClinVar variation 942099 (VCV000942099.11), dbSNP rs780676515, ClinGen allele CA266977202.

ClinVar aggregate classification (germline): Likely benign. Review status: criteria provided, multiple submitters, no conflicts (2 of 4 stars). 3 submissions from 3 submitters: Likely benign (3). Last evaluated 2026-01-13.

Conditions:
DYNC1H1-related disorder. Also called: DYNC1H1-related condition; DYNC1H1-related disorders. Identifiers: MedGen CN381529.
Inborn genetic diseases. Identifiers: MedGen C0950123, MeSH D030342.
Charcot-Marie-Tooth disease axonal type 2O. Also called: CHARCOT-MARIE-TOOTH NEUROPATHY, AXONAL, TYPE 2O; CHARCOT-MARIE-TOOTH DISEASE, AXONAL, AUTOSOMAL DOMINANT, TYPE 2O; Charcot-Marie-Tooth Neuropathy Type 2O; Charcot-Marie-Tooth disease, axonal, type 20. Identifiers: Orphanet 284232, MedGen C3280220, MONDO:0013644, OMIM 614228.

Allele frequency attached by ClinVar (database versions not stated): TOPMed 0.00005.
gnomAD v4.1: 34 of 1,614,106 alleles (0.0021%); highest among the groups gnomAD compares: Non-Finnish European, 0.0026%; no homozygotes.

Submissions (3):

Labcorp Genetics (formerly Invitae), Labcorp
Classification: Likely benign for Charcot-Marie-Tooth disease axonal type 2O. Last evaluated: 2026-01-13. Review status: criteria provided, single submitter. Criteria: Invitae Variant Classification Sherloc (09022015). Collection method: clinical testing. Allele origin: germline.

PreventionGenetics, part of Exact Sciences
Classification: Likely benign for DYNC1H1-related condition. Last evaluated: 2025-09-13. Review status: criteria provided, single submitter. Criteria: ACMG Guidelines, 2015. Collection method: clinical testing. Allele origin: germline.
Comment: This variant is classified as likely benign based on ACMG/AMP sequence variant interpretation guidelines (Richards et al. 2015 PMID: 25741868, with internal and published modifications).

Ambry Genetics
Classification: Likely benign for Inborn genetic diseases. Last evaluated: 2025-05-22. Review status: criteria provided, single submitter. Criteria: Ambry Variant Classification Scheme 2023. Collection method: clinical testing. Allele origin: germline.